The following is an entry in ClinVar:

ClinVar aggregate classification (germline): Pathogenic (1 of 4 stars; one submission).

Conditions:
Brain abnormalities, neurodegeneration, and dysosteosclerosis. Identifiers: MedGen C5193117, MONDO:0032772, OMIM 618476.

Submission:

Women's Health and Genetics/Laboratory Corporation of America, LabCorp
Classification: Pathogenic for Brain abnormalities, neurodegeneration, and dysosteosclerosis. Last evaluated: 2024-02-29. Review status: criteria provided, single submitter. Criteria: LabCorp Variant Classification Summary - May 2015. Collection method: clinical testing. Allele origin: germline.
Comment: Variant summary: CSF1R c.2549C>A (p.Ser850X) results in a premature termination codon, predicted to cause a truncation of the encoded protein or absence of the protein due to nonsense mediated decay, which are commonly known mechanisms for disease. The variant was absent in 250492 control chromosomes. To our knowledge, no occurrence of c.2549C>A in individuals affected with Brain Abnormalities, Neurodegeneration, And Dysosteosclerosis and no experimental evidence demonstrating its impact on protein function have been reported. No submitters have cited clinical-significance assessments for this variant to ClinVar. Based on the evidence outlined above, the variant was classified as pathogenic.

NM_001288705.3(CSF1R):c.2549C>A (p.Ser850Ter)

Gene: CSF1R (colony stimulating factor 1 receptor; minus strand). Cytogenetic location: 5q32.
Variant type: single nucleotide variant.
Coding change: c.2549C>A on transcript NM_001288705.3 (MANE Select); coding-DNA position 2549, C replaced by A.
Protein change: p.Ser850Ter; replaces serine 850 with a stop codon.
Molecular consequence: nonsense. On other transcripts: non-coding transcript variant (2).
Genome position (GRCh38, 1-based): chr5:150,056,031, G>T on the plus strand (C>A on the coding strand, the complement: CSF1R is on the minus strand). VCF-style: chr5-150056031-G-T. GRCh37 (hg19) VCF-style: chr5-149435594-G-T.
Other names: c.2549C>A, p.Ser850Ter (NM_001375320.1, NM_005211.4, NM_001349736.2); c.2105C>A, p.Ser702Ter (NM_001375321.1); short protein forms S702*, S850*.
Identifiers: ClinVar variation 3069042 (VCV003069042.2), dbSNP rs2113778038, ClinGen allele CA361758263.